The following is an entry in ClinVar:

ClinVar aggregate classification (germline): Pathogenic (1 of 4 stars; one submission).

Conditions:
Joubert syndrome. Also called: CEREBELLOPARENCHYMAL DISORDER IV; JOUBERT-BOLTSHAUSER SYNDROME; Familial aplasia of the vermis. Identifiers: Orphanet 475, MedGen C5979921, MONDO:0018772.

Submission:

Labcorp Genetics (formerly Invitae), Labcorp
Classification: Pathogenic for Joubert syndrome. Last evaluated: 2023-08-27. Review status: criteria provided, single submitter. Criteria: Invitae Variant Classification Sherloc (09022015). Collection method: clinical testing. Allele origin: germline.
Comment: For these reasons, this variant has been classified as Pathogenic. This variant has not been reported in the literature in individuals affected with AHI1-related conditions. This variant is not present in population databases (gnomAD no frequency). This sequence change creates a premature translational stop signal (p.Leu355Glnfs*17) in the AHI1 gene. It is expected to result in an absent or disrupted protein product. Loss-of-function variants in AHI1 are known to be pathogenic (PMID: 15322546, 16453322, 28442542, 29186038).

Literature cited by the submitters: PubMed 15322546; PubMed 16453322; PubMed 28442542; PubMed 29186038.

NM_001134831.2(AHI1):c.1064_1065del (p.Leu355fs)

Gene: AHI1 (Abelson helper integration site 1; minus strand). Cytogenetic location: 6q23.3.
Variant type: Deletion.
Coding change: c.1064_1065del on transcript NM_001134831.2 (MANE Select); coding-DNA positions 1064 to 1065, 2 bases deleted (TT; older notation c.1064_1065delTT).
Protein change: p.Leu355fs; shifts the reading frame from leucine 355.
Molecular consequence: frameshift variant.
Genome position (GRCh38, 1-based): chr6:135,457,580-135,457,581, AA deleted on the plus strand (TT on the coding strand, the reverse complement: AHI1 is on the minus strand). VCF-style (leftmost placement, unchanged base first): chr6-135457579-TAA-T. GRCh37 (hg19) VCF-style: chr6-135778717-TAA-T.
Other names: c.1064_1065del, p.Leu355fs (NM_001134830.2, NM_001134832.2, NM_001350503.2 and 2 more transcripts); short protein forms L355fs.
Identifiers: ClinVar variation 2755390 (VCV002755390.3), dbSNP rs2484905836, ClinGen allele CA2697553772.